The following is an entry in ClinVar:

NM_000059.4(BRCA2):c.3197A>G (p.Asn1066Ser)

Gene: BRCA2 (BRCA2 DNA repair associated; plus strand). Cytogenetic location: 13q13.1.
Variant type: single nucleotide variant.
Coding change: c.3197A>G on transcript NM_000059.4 (MANE Select); coding-DNA position 3197, A replaced by G.
Protein change: p.Asn1066Ser; replaces asparagine 1066 with serine.
Molecular consequence: missense variant.
Genome position (GRCh38, 1-based): chr13:32,337,552, A>G. VCF-style: chr13-32337552-A-G. GRCh37 (hg19) VCF-style: chr13-32911689-A-G.
Other names: 3425A>G; short protein forms N1066S.
Identifiers: ClinVar variation 252826 (VCV000252826.39), dbSNP rs762752733, ClinGen allele CA6940676.

ClinVar aggregate classification (germline): Conflicting classifications of pathogenicity. Review status: criteria provided, conflicting classifications (1 of 4 stars). 11 submissions from 11 submitters: Uncertain significance (5); Likely benign (4). 2 of the submissions do not count toward it. Last evaluated 2026-06-09.

Conditions:
BRCA2-related cancer predisposition. Identifiers: MedGen CN377758, MONDO:0700269.
Hereditary cancer-predisposing syndrome. Also called: Hereditary Cancer Syndrome; Tumor predisposition; Hereditary neoplastic syndrome; Neoplastic Syndromes, Hereditary. Identifiers: Orphanet 140162, MedGen C0027672, MeSH D009386, MONDO:0015356.
Hereditary breast ovarian cancer syndrome. Also called: Hereditary breast and ovarian cancer syndrome (HBOC); Breast and ovarian cancer; Hereditary breast and/or ovarian cancer syndrome; Hereditary breast and ovarian cancer; Hereditary breast and ovarian cancer syndrome; BRCA1- and BRCA2-Associated Hereditary Breast and Ovarian Cancer. Identifiers: Orphanet 145, MedGen C0677776, MeSH D061325, MONDO:0003582. Disease mechanism: loss of function.
Breast-ovarian cancer, familial, susceptibility to, 2 (BROVCA2). Also called: BRCA2 Hereditary Breast and Ovarian Cancer. Identifiers: Orphanet 145, MedGen C2675520, MONDO:0012933, OMIM 612555. Disease mechanism: loss of function.
Familial cancer of breast. Also called: Hereditary breast cancer; hereditary breast carcinoma; BREAST CANCER, FAMILIAL. Identifiers: Orphanet 227535, MedGen C0346153, MONDO:0016419, OMIM 114480. Disease mechanism: loss of function.

Allele frequency attached by ClinVar (database versions not stated): gnomAD exomes below 0.00001; ExAC 0.00001; gnomAD 0.00001.
gnomAD v4.1: 6 of 1,607,876 alleles (0.00037%); highest among the groups gnomAD compares: East Asian, 0.0089%; no homozygotes.

Submissions (11):

Women's Health and Genetics/Laboratory Corporation of America, LabCorp
Classification: Uncertain significance. Last evaluated: 2026-06-09. Review status: criteria provided, single submitter. Criteria: LabCorp Variant Classification Summary - May 2015. Collection method: clinical testing. Allele origin: germline.
Comment: Variant summary: BRCA2 c.3197A>G (p.Asn1066Ser) results in a conservative amino acid change in the encoded protein sequence. Algorithms developed to predict the effect of missense changes on protein structure and function all suggest that this variant is likely to be tolerated. The variant allele was found at a frequency of 4e-06 in 247034 control chromosomes. The available data on variant occurrences in the general population are insufficient to allow any conclusion about variant significance. c.3197A>G has been observed in individual(s) affected with BRCA2-related conditions (e.g., Guo_2020, Zhang_2022), however without strong evidence for causality. These report(s) do not provide unequivocal conclusions about association of the variant with disease. To our knowledge, no experimental evidence demonstrating an impact on protein function has been reported. The following publications have been ascertained in the context of this evaluation (PMID: 31131967, 31837001, 35918668). ClinVar contains an entry for this variant (Variation ID: 252826). Based on the evidence outlined above, the variant was classified as uncertain significance.

Labcorp Genetics (formerly Invitae), Labcorp
Classification: Likely benign for Hereditary breast ovarian cancer syndrome. Last evaluated: 2025-09-22. Review status: criteria provided, single submitter. Criteria: Invitae Variant Classification Sherloc (09022015). Collection method: clinical testing. Allele origin: germline.

Ambry Genetics
Classification: Likely benign for Hereditary cancer-predisposing syndrome. Last evaluated: 2025-09-02. Review status: criteria provided, single submitter. Criteria: Ambry Variant Classification Scheme 2023. Collection method: clinical testing. Allele origin: germline.

All of Us Research Program, National Institutes of Health
Classification: Uncertain significance for BRCA2-related cancer predisposition. Last evaluated: 2024-08-13. Review status: criteria provided, single submitter. Criteria: ACMG Guidelines, 2015. Collection method: clinical testing. Allele origin: germline. Inheritance: Autosomal dominant inheritance. Observed: 3 variant alleles, 3 heterozygotes.
Comment: This missense variant replaces asparagine with serine at codon 1066 of the BRCA2 protein. Computational prediction suggests that this variant may not impact protein structure and function. To our knowledge, functional studies have not been reported for this variant. This variant has been reported in an individual affected with breast or ovarian cancer (PMID: 35918668) and in a large breast cancer case-control meta-analysis in 5/60466 cases and 4/53461 unaffected controls (PMID: 33471991; Leiden Open Variation Database DB-ID BRCA2_002982). A multi-factorial study predicts a low probability of pathogenicity, reporting co-occurence and family history likelihood ratios of 1.0246 and 0.4821, respectively (PMID: 31131967). This variant has been identified in 1/247034 chromosomes in the general population by the Genome Aggregation Database (gnomAD). The available evidence is insufficient to determine the role of this variant in disease conclusively. Therefore, this variant is classified as a Variant of Uncertain Significance.

This study involves interpretation of variants in research participants for the purpose of population health screening. Participant phenotype was not available at the time of variant classification. Additional details can be found in publication PMID: 35346344, PMCID: PMC8962531

Quest Diagnostics Nichols Institute San Juan Capistrano
Classification: Uncertain significance. Last evaluated: 2024-05-22. Review status: criteria provided, single submitter. Criteria: Quest Diagnostics criteria. Collection method: clinical testing. Allele origin: unknown.
Comment: The BRCA2 c.3197A>G (p.Asn1066Ser) variant has been reported in the published literature in individuals affected with breast and/or ovarian cancer (PMID: 31837001 (2020), 33471991 (2021), see also LOVD, 35918668 (2022)). This variant has also been found in reportedly healthy individuals (PMID: 31837001 (2020), 33471991 (2021), see also LOVD) and described to be located in a region of the BRCA2gene that is tolerant to missense sequence changes (PMID: 31911673 (2020)). The frequency of this variant in the general population, 0.000004 (1/247034 chromosomes (Genome Aggregation Database)), is uninformative in the assessment of its pathogenicity. Analysis of this variant using bioinformatics tools for the prediction of the effect of amino acid changes on protein structure and function yielded predictions that this variant is benign. Based on the available information, we are unable to determine the clinical significance of this variant.

Color Diagnostics, LLC DBA Color Health
Classification: Uncertain significance for Hereditary cancer-predisposing syndrome. Last evaluated: 2024-02-06. Review status: criteria provided, single submitter. Criteria: ACMG Guidelines, 2015. Collection method: clinical testing. Allele origin: germline.
Comment: This missense variant replaces asparagine with serine at codon 1066 of the BRCA2 protein. Computational prediction suggests that this variant may not impact protein structure and function. To our knowledge, functional studies have not been reported for this variant. This variant has been reported in an individual affected with breast or ovarian cancer (PMID: 35918668) and in a large breast cancer case-control meta-analysis in 5/60466 cases and 4/53461 unaffected controls (PMID: 33471991; Leiden Open Variation Database DB-ID BRCA2_002982). A multi-factorial study predicts a low probability of pathogenicity, reporting co-occurence and family history likelihood ratios of 1.0246 and 0.4821, respectively (PMID: 31131967). This variant has been identified in 1/247034 chromosomes in the general population by the Genome Aggregation Database (gnomAD). The available evidence is insufficient to determine the role of this variant in disease conclusively. Therefore, this variant is classified as a Variant of Uncertain Significance.

Blueprint Genetics
Classification: Likely benign. Last evaluated: 2023-09-28. Review status: criteria provided, single submitter. Criteria: ACMG Guidelines, 2015. Collection method: clinical testing. Allele origin: germline.

University of Washington Department of Laboratory Medicine, University of Washington
Classification: Likely benign for Hereditary cancer-predisposing syndrome. Last evaluated: 2023-03-23. Review status: criteria provided, single submitter. Criteria: Dines et al. (Genet Med. 2020). Collection method: curation. Allele origin: germline.
Comment: Missense variant in a coldspot region where missense variants are very unlikely to be pathogenic (PMID:31911673).

BRCA2 exon 11 coldspot. Reclassification based on statistical prior probability.

Baylor Genetics
Classification: Uncertain significance for Breast-ovarian cancer, familial, susceptibility to, 2. Last evaluated: 2019-09-10. Review status: criteria provided, single submitter. Criteria: ACMG Guidelines, 2015. Collection method: clinical testing. Allele origin: unknown. Affected: yes. Study: CSER-TexasKidsCanSeq.
Comment: This variant was determined to be of uncertain significance according to ACMG Guidelines, 2015 [PMID:25741868].

Sharing Clinical Reports Project (SCRP)
Classification: Uncertain significance for Breast-ovarian cancer, familial 2. Last evaluated: 2009-11-30. Review status: no assertion criteria provided. Collection method: clinical testing. Allele origin: germline. Not counted in ClinVar's aggregate classification.

Center for Precision Medicine, Meizhou People's Hospital
Classification: Uncertain significance for Familial cancer of breast. Review status: no assertion criteria provided. Collection method: literature only. Allele origin: germline. Affected: yes. Not counted in ClinVar's aggregate classification.

Literature cited by the submitters: PubMed 31131967 (cited by 5 submitters); PubMed 31837001 (cited by Women's Health and Genetics/Laboratory Corporation of America, LabCorp and Quest Diagnostics Nichols Institute San Juan Capistrano); PubMed 35918668 (cited by 4 submitters); PubMed 33471991 (cited by 3 submitters); PubMed 32467295 (cited by Quest Diagnostics Nichols Institute San Juan Capistrano); PubMed 31911673 (cited by Quest Diagnostics Nichols Institute San Juan Capistrano).